The following is an entry in ClinVar:

NM_000102.4(CYP17A1):c.1283C>T (p.Pro428Leu)

Gene: CYP17A1 (cytochrome P450 family 17 subfamily A member 1; minus strand). Cytogenetic location: 10q24.32.
Variant type: single nucleotide variant.
Coding change: c.1283C>T on transcript NM_000102.4 (MANE Select); coding-DNA position 1283, C replaced by T.
Protein change: p.Pro428Leu; replaces proline 428 with leucine.
Molecular consequence: missense variant.
Genome position (GRCh38, 1-based): chr10:102,830,946, G>A on the plus strand (C>T on the coding strand, the complement: CYP17A1 is on the minus strand). VCF-style: chr10-102830946-G-A. GRCh37 (hg19) VCF-style: chr10-104590703-G-A.
Other names: short protein forms P428L.
Identifiers: ClinVar variation 1799 (VCV000001799.13), dbSNP rs104894145, ClinGen allele CA115195.

ClinVar aggregate classification (germline): Pathogenic. Review status: criteria provided, multiple submitters, no conflicts (2 of 4 stars). 4 submissions from 4 submitters: Pathogenic (3). 1 of the submissions does not count toward it. Last evaluated 2026-08-06.

Conditions:
Deficiency of steroid 17-alpha-monooxygenase. Also called: Congenital adrenal hyperplasia due to 17-alpha-hydroxylase deficiency; Congenital adrenal hyperplasia type 5; ADRENAL HYPERPLASIA V; 17-alpha-hydroxylase/17,20-lyase deficiency; 17-ALPHA-HYDROXYLASE DEFICIENCY. Identifiers: Orphanet 90793, MedGen C0268285, MONDO:0008730, OMIM 202110.
17-alpha-hydroxylase/17,20-lyase deficiency, combined complete. Identifiers: MedGen CN042980, MONDO:0800379.

Allele frequency attached by ClinVar (database versions not stated): gnomAD exomes below 0.00001; TOPMed below 0.00001.
gnomAD v4.1: 6 of 1,577,536 alleles (0.00038%); highest among the groups gnomAD compares: East Asian, 0.0023%; no homozygotes.

Submissions (4):

OLLIN Analises Genomicas, OLLIN
Classification: Pathogenic for Deficiency of steroid 17-alpha-monooxygenase. Last evaluated: 2026-08-06. Review status: criteria provided, single submitter. Criteria: ACMG Guidelines 2015 PMID 25741868. Collection method: clinical testing. Allele origin: germline.
Comment: This missense variant, located in exon 8 (of 8), has been reported in ClinVar (accession VCV000001799.11), in gnomAD with an allele frequency of 0.00038%, and in the scientific literature, in compound heterozygosity, in individuals with CYP17A1 related disorders (PMID: 14715827, 15844475). In silico analysis is inconclusive regarding the impact of this variant; however, functional studies suggest that it may affect protein function (PMID: 14715827, 15844475). According to the currently available evidence, this variant has been classified as pathogenic (PS3_P, PM2_P, PM3_VS).

Natera, Inc.
Classification: Pathogenic for Deficiency of steroid 17-alpha-monooxygenase. Last evaluated: 2024-03-29. Review status: criteria provided, single submitter. Criteria: Natera Variant Classification Schema (03/2026). Collection method: clinical testing. Allele origin: germline.
Comment: The c.1283C>T variant in CYP17A1 is a missense variant predicted to cause substitution of proline to leucine at amino acid 428. This variant is rare in the general population with a frequency below the threshold expected for the associated phenotype(s). This variant has been observed in one or more individuals affected with the associated recessive disease, as either homozygous or compound heterozygous with a second variant (PMID: 14715827, 33780934, 26647153, 32215889, 15844475, 26920256). Additionally, this variant has been observed to segregate in affected family members (PMID: 33780934, 15844475, 26920256). Functional studies show that this variant may disrupt protein function (PMID: 14715827). Computational prediction algorithms indicate this variant is likely to affect gene or protein function. Given the available evidence, this variant is classified as Pathogenic.

Labcorp Genetics (formerly Invitae), Labcorp
Classification: Pathogenic. Last evaluated: 2024-01-26. Review status: criteria provided, single submitter. Criteria: Invitae Variant Classification Sherloc (09022015). Collection method: clinical testing. Allele origin: germline.
Comment: This sequence change replaces proline, which is neutral and non-polar, with leucine, which is neutral and non-polar, at codon 428 of the CYP17A1 protein (p.Pro428Leu). This variant is not present in population databases (gnomAD no frequency). This missense change has been observed in individual(s) with 17-alpha-hydroxylase deficiency (PMID: 14671162, 14715827, 15844475). In at least one individual the data is consistent with being in trans (on the opposite chromosome) from a pathogenic variant. It has also been observed to segregate with disease in related individuals. ClinVar contains an entry for this variant (Variation ID: 1799). Advanced modeling of protein sequence and biophysical properties (such as structural, functional, and spatial information, amino acid conservation, physicochemical variation, residue mobility, and thermodynamic stability) performed at Invitae indicates that this missense variant is expected to disrupt CYP17A1 protein function with a positive predictive value of 95%. Experimental studies have shown that this missense change affects CYP17A1 function (PMID: 14715827, 15844475). For these reasons, this variant has been classified as Pathogenic.

OMIM
Classification: Pathogenic for 17-ALPHA-HYDROXYLASE/17,20-LYASE DEFICIENCY, COMBINED COMPLETE. Last evaluated: 2003-12-01. Review status: no assertion criteria provided. Collection method: literature only. Allele origin: germline. Not counted in ClinVar's aggregate classification.

Literature cited by the submitters: PubMed 14715827 (cited by 3 submitters); PubMed 15844475 (cited by 3 submitters); PubMed 33780934 (cited by Natera, Inc.); PubMed 26647153 (cited by Natera, Inc.); PubMed 32215889 (cited by Natera, Inc.); PubMed 26920256 (cited by Natera, Inc.); PubMed 14671162 (cited by Labcorp Genetics (formerly Invitae), Labcorp and OMIM).